The following is an entry in ClinVar:

ClinVar aggregate classification (germline): Uncertain significance. Review status: criteria provided, multiple submitters, no conflicts (2 of 4 stars). 3 submissions from 3 submitters: Uncertain significance (3). Last evaluated 2026-08-26.

Conditions:
PCNT-related disorder. Also called: PCNT-related condition.
Inborn genetic diseases. Identifiers: MedGen C0950123, MeSH D030342.

Allele frequency attached by ClinVar (database versions not stated): gnomAD 0.00013; ExAC 0.00017; gnomAD exomes 0.00019; ESP Exome Variant Server 0.00023; TOPMed 0.00012.
gnomAD v4.1: 288 of 1,613,624 alleles (0.018%); highest among the groups gnomAD compares: Non-Finnish European, 0.023%; no homozygotes.

Submissions (3):

PreventionGenetics, part of Exact Sciences
Classification: Uncertain significance for PCNT-related condition. Last evaluated: 2026-08-26. Review status: criteria provided, single submitter. Criteria: ACMG Guidelines, 2015. Collection method: clinical testing. Allele origin: germline.
Comment: The PCNT c.2056A>G variant is predicted to result in the amino acid substitution p.Thr686Ala. To our knowledge, this variant has not been reported in the literature. This variant is reported in 0.031% of alleles in individuals of European (Non-Finnish) descent in gnomAD. At this time, the clinical significance of this variant is uncertain due to the absence of conclusive functional and genetic evidence.

Ambry Genetics
Classification: Uncertain significance for Inborn genetic diseases. Last evaluated: 2025-07-08. Review status: criteria provided, single submitter. Criteria: Ambry Variant Classification Scheme 2023. Collection method: clinical testing. Allele origin: germline.

Labcorp Genetics (formerly Invitae), Labcorp
Classification: Uncertain significance. Last evaluated: 2024-09-06. Review status: criteria provided, single submitter. Criteria: Invitae Variant Classification Sherloc (09022015). Collection method: clinical testing. Allele origin: germline.
Comment: This sequence change replaces threonine, which is neutral and polar, with alanine, which is neutral and non-polar, at codon 686 of the PCNT protein (p.Thr686Ala). This variant is present in population databases (rs147292854, gnomAD 0.03%). This variant has not been reported in the literature in individuals affected with PCNT-related conditions. ClinVar contains an entry for this variant (Variation ID: 2069260). An algorithm developed to predict the effect of missense changes on protein structure and function (PolyPhen-2) suggests that this variant is likely to be disruptive. In summary, the available evidence is currently insufficient to determine the role of this variant in disease. Therefore, it has been classified as a Variant of Uncertain Significance.

NM_006031.6(PCNT):c.2056A>G (p.Thr686Ala)

Gene: PCNT (pericentrin; plus strand). Cytogenetic location: 21q22.3.
Variant type: single nucleotide variant.
Coding change: c.2056A>G on transcript NM_006031.6 (MANE Select); coding-DNA position 2056, A replaced by G.
Protein change: p.Thr686Ala; replaces threonine 686 with alanine.
Molecular consequence: missense variant.
Genome position (GRCh38, 1-based): chr21:46,357,093, A>G. VCF-style: chr21-46357093-A-G. GRCh37 (hg19) VCF-style: chr21-47777008-A-G.
Other names: c.1702A>G, p.Thr568Ala (NM_001315529.2); c.2056A>G (NM_006031.5); short protein forms T568A, T686A.
Identifiers: ClinVar variation 2069260 (VCV002069260.8), dbSNP rs147292854, ClinGen allele CA10078869.